The following is an entry in ClinVar:

ClinVar aggregate classification (germline): Uncertain significance (1 of 4 stars; one submission).

Conditions:
Inborn genetic diseases. Identifiers: MedGen C0950123, MeSH D030342.

Submission:

Ambry Genetics
Classification: Uncertain significance for Inborn genetic diseases. Last evaluated: 2024-12-07. Review status: criteria provided, single submitter. Criteria: Ambry Variant Classification Scheme 2023. Collection method: clinical testing. Allele origin: germline.
Comment: The p.P45Q variant (also known as c.134C>A), located in coding exon 1 of the CEBPA gene, results from a C to A substitution at nucleotide position 134. The proline at codon 45 is replaced by glutamine, an amino acid with similar properties. This amino acid position is conserved. In addition, this alteration is predicted to be tolerated by in silico analysis. Based on the available evidence, the clinical significance of this variant remains unclear.

NM_004364.5(CEBPA):c.134C>A (p.Pro45Gln)

Gene: CEBPA (CCAAT enhancer binding protein alpha; minus strand). Cytogenetic location: 19q13.11.
Variant type: single nucleotide variant.
Coding change: c.134C>A on transcript NM_004364.5 (MANE Select); coding-DNA position 134, C replaced by A.
Protein change: p.Pro45Gln; replaces proline 45 with glutamine.
Molecular consequence: missense variant. On other transcripts: 5 prime UTR variant (1).
Genome position (GRCh38, 1-based): chr19:33,302,281, G>T on the plus strand (C>A on the coding strand, the complement: CEBPA is on the minus strand). VCF-style: chr19-33302281-G-T. GRCh37 (hg19) VCF-style: chr19-33793187-G-T.
Other names: c.-224C>A (NM_001285829.2); c.239C>A, p.Pro80Gln (NM_001287424.2); c.92C>A, p.Pro31Gln (NM_001287435.2); short protein forms P31Q, P45Q, P80Q.
Identifiers: ClinVar variation 3489902 (VCV003489902.1).